The following is an entry in ClinVar:

ClinVar aggregate classification (germline): Likely benign. Review status: criteria provided, multiple submitters, no conflicts (2 of 4 stars). 3 submissions from 3 submitters: Likely benign (3). Last evaluated 2022-06-30.

Allele frequency attached by ClinVar (database versions not stated): gnomAD 0.00089 and 0.00097; 1000 Genomes Project 0.00100; TOPMed 0.00102; 1000 Genomes Project 30x 0.00125.

Submissions (3):

Women's Health and Genetics/Laboratory Corporation of America, LabCorp
Classification: Likely benign. Last evaluated: 2022-06-30. Review status: criteria provided, single submitter. Criteria: LabCorp Variant Classification Summary - May 2015. Collection method: clinical testing. Allele origin: germline.
Comment: Variant summary: GJB2 c.-174C>G is located in the untranslated mRNA region upstream of the initiation codon. The variant allele was found at a frequency of 0.00093 in 31274 control chromosomes, predominantly at a frequency of 0.0031 within the African or African-American subpopulation in the gnomAD database. The observed variant frequency within African or African-American control individuals in the gnomAD database is approximately 9.18 fold of the estimated maximal expected allele frequency for a pathogenic variant in GJB2 causing Non-Syndromic Hearing Loss phenotype (0.00034), strongly suggesting that the variant is a benign polymorphism found primarily in populations of African or African-American origin. To our knowledge, no occurrence of c.-174C>G in individuals affected with Non-Syndromic Hearing Loss and no experimental evidence demonstrating its impact on protein function have been reported. Two clinical diagnostic laboratories have submitted clinical-significance assessments for this variant to ClinVar after 2014 without evidence for independent evaluation. All laboratories classified the variant as likely benign. Based on the evidence outlined above, the variant was classified as likely benign.

GeneDx
Classification: Likely benign. Last evaluated: 2018-12-03. Review status: criteria provided, single submitter. Criteria: GeneDx Variant Classification Process June 2021. Collection method: clinical testing. Allele origin: germline. Affected: yes.

Laboratory for Molecular Medicine, Mass General Brigham Personalized Medicine
Classification: Likely benign. Last evaluated: 2017-06-22. Review status: criteria provided, single submitter. Criteria: LMM Criteria. Collection method: clinical testing. Allele origin: germline. Observed: 1 variant allele.
Comment: c.-174C>G in exon 1 of GJB2: This variant is not expected to have clinical signi ficance because it has been identified in 0.3% (26/8672) of African chromosomes by the Genome Aggregation Database (gnomAD; d bSNP rs541058463).

NM_004004.6(GJB2):c.-174C>G

Gene: GJB2 (gap junction protein beta 2; minus strand). Cytogenetic location: 13q12.11.
Variant type: single nucleotide variant.
Coding change: c.-174C>G on transcript NM_004004.6 (MANE Select); 174 bases upstream of the start codon, C replaced by G.
Molecular consequence: 5 prime UTR variant.
Genome position (GRCh38, 1-based): chr13:20,192,934, G>C on the plus strand (C>G on the coding strand, the complement: GJB2 is on the minus strand). VCF-style: chr13-20192934-G-C. GRCh37 (hg19) VCF-style: chr13-20767073-G-C.
Identifiers: ClinVar variation 517447 (VCV000517447.8), dbSNP rs541058463, ClinGen allele CA246463716.